The following is an entry in ClinVar:

ClinVar aggregate classification (germline): Pathogenic. Review status: criteria provided, multiple submitters, no conflicts (2 of 4 stars). 5 submissions from 5 submitters: Pathogenic (5). Last evaluated 2024-07-01.

Conditions:
CEP290-related disorder. Also called: CEP290-related disorders; CEP290-related condition. Identifiers: MedGen CN239314.
Leber congenital amaurosis (LCA). Also called: Leber's amaurosis. Identifiers: Orphanet 65, MedGen C0339527, MeSH D057130, MONDO:0018998.
Joubert syndrome 5 (JBTS5). Identifiers: Orphanet 2318, MedGen C1857780, MONDO:0012432, OMIM 610188.
Bardet-Biedl syndrome 14 (BBS14). Identifiers: Orphanet 110, MedGen C2673874, MONDO:0014442, OMIM 615991.
Meckel-Gruber syndrome. Also called: DYSENCEPHALIA SPLANCHNOCYSTICA; GRUBER SYNDROME; Dysencephalia splachnocystica. Identifiers: Orphanet 564, MedGen C0265215, MONDO:0018921.
Nephronophthisis. Also called: Juvenile Nephronophthisis. Identifiers: Orphanet 655, MedGen C0687120, MONDO:0019005, HP:0000090.
Joubert syndrome. Also called: JOUBERT-BOLTSHAUSER SYNDROME; Familial aplasia of the vermis. Identifiers: Orphanet 475, MedGen C5979921, MONDO:0018772.

Allele frequency attached by ClinVar (database versions not stated): TOPMed below 0.00001; ExAC 0.00002; gnomAD exomes 0.00002.
gnomAD v4.1: 33 of 1,587,620 alleles (0.0021%); highest among the groups gnomAD compares: East Asian, 0.076%; no homozygotes.

Submissions (5):

Natera, Inc.
Classification: Pathogenic for Leber congenital amaurosis. Last evaluated: 2024-07-01. Review status: criteria provided, single submitter. Criteria: Natera Variant Classification Schema (03/2026). Collection method: clinical testing. Allele origin: germline.
Comment: The c.6012-12T>A variant in CEP290 is an intronic variant located outside the canonical splice sites. This variant is rare in the general population with a frequency below the threshold expected for the associated phenotype(s). This variant has been observed in one or more individuals affected with the associated recessive disease, as either homozygous or compound heterozygous with a second variant (PMID: 29145603, 28966547). Functional studies show that this variant may disrupt protein function (PMID: 29217415). Computational prediction algorithms indicate this variant is likely to affect gene or protein function. Given the available evidence, this variant is classified as Pathogenic.

3billion
Classification: Pathogenic for Joubert syndrome 5. Last evaluated: 2024-05-27. Review status: criteria provided, single submitter. Criteria: ACMG Guidelines, 2015. Collection method: clinical testing. Allele origin: germline. Affected: yes.
Comment: The variant is observed at an extremely low frequency in the gnomAD v4.0.0 dataset (total allele frequency: 0.002%). Predicted Consequence/Location: Intron variant: previously reported to alter splicing and result in a loss of normal protein function through nonsense-mediated decay (NMD) or protein truncation (PMID: 23034536). In silico tools predict the variant to alter splicing and produce an abnormal transcript [SpliceAI: 0.95 (spliceogenicity >=0.2, non-spliceogenicity <0.1)]. Intron variant: previously reported to alter splicing and result in a loss of normal protein function through nonsense-mediated decay (NMD) or protein truncation (PMID: 23034536). Therefore, this variant is classified as Pathogenic according to the recommendation of ACMG/AMP guideline.

Baylor Genetics
Classification: Pathogenic for Bardet-Biedl syndrome 14. Last evaluated: 2024-03-07. Review status: criteria provided, single submitter. Criteria: ACMG Guidelines, 2015. Collection method: clinical testing. Allele origin: unknown.

Labcorp Genetics (formerly Invitae), Labcorp
Classification: Pathogenic for Joubert syndrome; Meckel-Gruber syndrome; Nephronophthisis. Last evaluated: 2024-01-25. Review status: criteria provided, single submitter. Criteria: Invitae Variant Classification Sherloc (09022015). Collection method: clinical testing. Allele origin: germline.
Comment: This sequence change falls in intron 43 of the CEP290 gene. It does not directly change the encoded amino acid sequence of the CEP290 protein. RNA analysis indicates that this variant induces altered splicing and may result in an absent or disrupted protein product. This variant is present in population databases (rs752197734, gnomAD 0.03%). This variant has been observed in individual(s) with Joubert syndrome and Leber congenital amaurosis (PMID: 23034536, 27434533, 27491411, 28966547). In at least one individual the data is consistent with being in trans (on the opposite chromosome) from a pathogenic variant. It has also been observed to segregate with disease in related individuals. ClinVar contains an entry for this variant (Variation ID: 865762). Studies have shown that this variant results in a 57 base pair insertion of intron 43 sequence and introduces a premature termination codon (PMID: 23034536). The resulting mRNA is expected to undergo nonsense-mediated decay. For these reasons, this variant has been classified as Pathogenic.

Blueprint Genetics
Classification: Pathogenic for CEP290-related disorders. Last evaluated: 2018-08-10. Review status: criteria provided, single submitter. Criteria: ACMG Guidelines, 2015. Collection method: clinical testing. Allele origin: germline. Affected: yes. Observed: 1 variant allele.

Literature cited by the submitters: PubMed 29145603 (cited by Natera, Inc.); PubMed 28966547 (cited by Natera, Inc. and Labcorp Genetics (formerly Invitae), Labcorp); PubMed 29217415 (cited by Natera, Inc.); PubMed 27434533 (cited by 3billion and Labcorp Genetics (formerly Invitae), Labcorp); PubMed 23034536 (cited by 3billion and Labcorp Genetics (formerly Invitae), Labcorp); PubMed 27491411 (cited by Labcorp Genetics (formerly Invitae), Labcorp).

NM_025114.4(CEP290):c.6012-12T>A

Gene: CEP290 (centrosomal protein 290; minus strand). Cytogenetic location: 12q21.32.
Variant type: single nucleotide variant.
Coding change: c.6012-12T>A on transcript NM_025114.4 (MANE Select); 12 bases into the intron before coding-DNA position 6012, T replaced by A.
Molecular consequence: intron variant.
Genome position (GRCh38, 1-based): chr12:88,068,657, A>T on the plus strand (T>A on the coding strand, the complement: CEP290 is on the minus strand). VCF-style: chr12-88068657-A-T. GRCh37 (hg19) VCF-style: chr12-88462434-A-T.
Identifiers: ClinVar variation 865762 (VCV000865762.8), dbSNP rs752197734, ClinGen allele CA6711593.